The following is an entry in ClinVar:

NM_001918.5(DBT):c.196C>T (p.Gln66Ter)

Gene: DBT (dihydrolipoamide branched chain transacylase E2; minus strand). Cytogenetic location: 1p21.2.
Variant type: single nucleotide variant.
Coding change: c.196C>T on transcript NM_001918.5 (MANE Select); coding-DNA position 196, C replaced by T.
Protein change: p.Gln66Ter; replaces glutamine 66 with a stop codon.
Molecular consequence: nonsense.
Genome position (GRCh38, 1-based): chr1:100,235,491, G>A on the plus strand (C>T on the coding strand, the complement: DBT is on the minus strand). VCF-style: chr1-100235491-G-A. GRCh37 (hg19) VCF-style: chr1-100701047-G-A.
Other names: short protein forms Q66*.
Identifiers: ClinVar variation 983641 (VCV000983641.3), dbSNP rs1663814011, ClinGen allele CA341345547.

ClinVar aggregate classification (germline): Likely pathogenic (1 of 4 stars; one submission).

Conditions:
Maple syrup urine disease (MSUD). Identifiers: Orphanet 511, MedGen C0024776, MeSH D008375, MONDO:0009563. Disease mechanism: loss of function.

Submission:

Myriad Genetics, Inc.
Classification: Likely pathogenic for Maple syrup urine disease type 1A. Last evaluated: 2020-01-17. Review status: criteria provided, single submitter. Criteria: Myriad Women's Health Autosomal Recessive and X-Linked Classification Criteria (2019). Collection method: clinical testing. Allele origin: unknown.
Comment: NM_001918.3(DBT):c.196C>T(Q66*) is expected to be pathogenic in the context of maple syrup urine disease type II. This variant is predicted to lead to an abnormal or absent protein product due to the creation of a premature termination codon in DBT, a gene where loss-of-function variants are known to be pathogenic. Please note: this variant was assessed in the context of healthy population screening.